The following is an entry in ClinVar:

ClinVar aggregate classification (germline): Uncertain significance. Review status: criteria provided, multiple submitters, no conflicts (2 of 4 stars). 2 submissions from 2 submitters: Uncertain significance (2). Last evaluated 2026-02-18.

Allele frequency attached by ClinVar (database versions not stated): ExAC 0.00017; TOPMed 0.00017; gnomAD 0.00018; gnomAD exomes 0.00018; ESP Exome Variant Server 0.00025.
gnomAD v4.1: 281 of 1,608,486 alleles (0.017%); highest among the groups gnomAD compares: African/African-American, 0.025%; no homozygotes.

Submissions (2):

GeneDx
Classification: Uncertain significance. Last evaluated: 2026-02-18. Review status: criteria provided, single submitter. Criteria: GeneDx Variant Classification Process June 2021. Collection method: clinical testing. Allele origin: germline.
Comment: In silico analysis indicates that this missense variant does not alter protein structure/function; Has not been previously published as pathogenic or benign to our knowledge

Ambry Genetics
Classification: Uncertain significance. Last evaluated: 2023-01-10. Review status: criteria provided, single submitter. Criteria: Ambry Variant Classification Scheme 2023. Collection method: clinical testing. Allele origin: germline.

NM_015656.2(KIF26A):c.830G>A (p.Arg277His)

Gene: KIF26A (kinesin family member 26A; plus strand). Cytogenetic location: 14q32.33.
Variant type: single nucleotide variant.
Coding change: c.830G>A on transcript NM_015656.2 (MANE Select); coding-DNA position 830, G replaced by A.
Protein change: p.Arg277His; replaces arginine 277 with histidine.
Molecular consequence: missense variant.
Genome position (GRCh38, 1-based): chr14:104,157,849, G>A. VCF-style: chr14-104157849-G-A. GRCh37 (hg19) VCF-style: chr14-104624186-G-A.
Other names: short protein forms R277H.
Identifiers: ClinVar variation 2457393 (VCV002457393.4), dbSNP rs200160417, ClinGen allele CA7370181.